The following is an entry in ClinVar:

ClinVar aggregate classification (germline): Likely benign (1 of 4 stars; one submission).

gnomAD v4.1: 10 of 1,611,458 alleles (0.00062%); highest among the groups gnomAD compares: African/African-American, 0.0027%; no homozygotes.

Submission:

CeGaT Center for Human Genetics Tuebingen
Classification: Likely benign. Last evaluated: 2025-04-01. Review status: criteria provided, single submitter. Criteria: CeGaT Center For Human Genetics Tuebingen Variant Classification Criteria Version 2. Collection method: clinical testing. Allele origin: germline. Affected: yes. Observed: 1 variant allele.
Comment: ACAD11: BP4, BP7

NM_032169.5(ACAD11):c.73C>T (p.Leu25=)

Genes: ACAD11 (acyl-CoA dehydrogenase family member 11; minus strand), NPHP3-ACAD11 (NPHP3-ACAD11 readthrough (NMD candidate); minus strand), UBA5 (ubiquitin like modifier activating enzyme 5; plus strand). Cytogenetic location: 3q22.1.
Variant type: single nucleotide variant.
Coding change: c.73C>T on transcript NM_032169.5 (MANE Select); coding-DNA position 73, C replaced by T.
Protein change: p.Leu25=; no amino-acid change (leucine 25 retained).
Molecular consequence: synonymous variant. On other transcripts: 5 prime UTR variant (1), non-coding transcript variant (3), intron variant (1).
Genome position (GRCh38, 1-based): chr3:132,659,679, G>A on the plus strand (C>T on the coding strand, the complement: ACAD11 is on the minus strand). VCF-style: chr3-132659679-G-A. GRCh37 (hg19) VCF-style: chr3-132378523-G-A.
Other names: c.-1059G>A (NM_001321239.1); c.-8+5009G>A (NM_198329.4).
Identifiers: ClinVar variation 3898485 (VCV003898485.7).